The following is an entry in ClinVar:

ClinVar aggregate classification (germline): Uncertain significance (1 of 4 stars; one submission).

Conditions:
Orthostatic hypotension 1 (ORTHYP1). Also called: Dopamine beta-hydroxylase deficiency; NORADRENALINE DEFICIENCY; NOREPINEPHRINE DEFICIENCY; Orthostatic hypotension 1, due to DBH deficiency. Identifiers: Orphanet 230, MedGen C4746777, MONDO:0009123, OMIM 223360.

Allele frequency attached by ClinVar (database versions not stated): TOPMed 0.00001; gnomAD exomes 0.00002; ExAC 0.00006.
gnomAD v4.1: 24 of 1,614,120 alleles (0.0015%); highest among the groups gnomAD compares: South Asian, 0.021%; no homozygotes.

Submission:

Labcorp Genetics (formerly Invitae), Labcorp
Classification: Uncertain significance for Orthostatic hypotension 1. Last evaluated: 2022-03-26. Review status: criteria provided, single submitter. Criteria: Invitae Variant Classification Sherloc (09022015). Collection method: clinical testing. Allele origin: germline.
Comment: This sequence change replaces arginine, which is basic and polar, with cysteine, which is neutral and slightly polar, at codon 350 of the DBH protein (p.Arg350Cys). This variant is present in population databases (rs772846040, gnomAD 0.03%). This variant has not been reported in the literature in individuals affected with DBH-related conditions. Algorithms developed to predict the effect of missense changes on protein structure and function (SIFT, PolyPhen-2, Align-GVGD) all suggest that this variant is likely to be disruptive. In summary, the available evidence is currently insufficient to determine the role of this variant in disease. Therefore, it has been classified as a Variant of Uncertain Significance.

NM_000787.4(DBH):c.1048C>T (p.Arg350Cys)

Gene: DBH (dopamine beta-hydroxylase; plus strand). Cytogenetic location: 9q34.2.
Variant type: single nucleotide variant.
Coding change: c.1048C>T on transcript NM_000787.4 (MANE Select); coding-DNA position 1048, C replaced by T.
Protein change: p.Arg350Cys; replaces arginine 350 with cysteine.
Molecular consequence: missense variant.
Genome position (GRCh38, 1-based): chr9:133,647,869, C>T. VCF-style: chr9-133647869-C-T. GRCh37 (hg19) VCF-style: chr9-136512991-C-T.
Other names: short protein forms R350C.
Identifiers: ClinVar variation 2174077 (VCV002174077.1), dbSNP rs772846040, ClinGen allele CA5313298.
Genomic context (GRCh38, chr9:133,647,869, plus strand): 5'-CTTACCGCTCACCTCCATCCATCCCACCTTCTCCCAGGACGAAACGACTCCTCAGGCATC[C>T]GCTTGTACTACACAGCCAAGCTGCGGCGCTTCAACGCGGGGATCATGGAGCTGGGACTGG-3'
Protein context (NP_000778.3, residues 340-360): IEGRNDSSGI[Arg350Cys]LYYTAKLRRF